The following is an entry in ClinVar:

NM_183075.3(CYP2U1):c.1152_1153del (p.Arg384fs)

Gene: CYP2U1 (cytochrome P450 family 2 subfamily U member 1; plus strand). Cytogenetic location: 4q25.
Variant type: Microsatellite.
Coding change: c.1152_1153del on transcript NM_183075.3 (MANE Select); coding-DNA positions 1152 to 1153, 2 bases deleted (AG; older notation c.1152_1153delAG).
Protein change: p.Arg384fs; shifts the reading frame from arginine 384.
Molecular consequence: frameshift variant.
Genome position (GRCh38, 1-based): chr4:107,947,401-107,947,402, AG deleted; deleting any 2 consecutive bases within chr4:107,947,399-107,947,402 gives the same sequence; the c. name uses the placement nearest the transcript's 3' end. VCF-style (leftmost placement, unchanged base first): chr4-107947398-AAG-A. GRCh37 (hg19) VCF-style: chr4-108868554-AAG-A.
Other names: short protein forms R384fs.
Identifiers: ClinVar variation 582218 (VCV000582218.7), dbSNP rs759033144, ClinGen allele CA3037134.

ClinVar aggregate classification (germline): Pathogenic/Likely pathogenic. Review status: criteria provided, multiple submitters, no conflicts (2 of 4 stars). 2 submissions from 2 submitters: Pathogenic (1); Likely pathogenic (1). Last evaluated 2026-07-06.

Conditions:
CYP2U1-related disorder. Also called: CYP2U1-related condition.
Spastic paraplegia. Identifiers: MedGen C0037772, HP:0001258.

Submissions (2):

PreventionGenetics, part of Exact Sciences
Classification: Likely pathogenic for CYP2U1-related condition. Last evaluated: 2026-07-06. Review status: criteria provided, single submitter. Criteria: ACMG Guidelines, 2015. Collection method: clinical testing. Allele origin: germline.
Comment: The CYP2U1 c.1152_1153delAG variant is predicted to result in a frameshift and premature protein termination (p.Arg384Serfs*54). To our knowledge, this variant has not been reported in the literature. This variant is reported in 0.0026% of alleles in individuals of European (Non-Finnish) descent in gnomAD. Frameshift variants in CYP2U1 are expected to be pathogenic. This variant is interpreted as likely pathogenic.

Labcorp Genetics (formerly Invitae), Labcorp
Classification: Pathogenic for Spastic paraplegia. Last evaluated: 2023-08-24. Review status: criteria provided, single submitter. Criteria: Invitae Variant Classification Sherloc (09022015). Collection method: clinical testing. Allele origin: germline.
Comment: For these reasons, this variant has been classified as Pathogenic. ClinVar contains an entry for this variant (Variation ID: 582218). This variant has not been reported in the literature in individuals affected with CYP2U1-related conditions. This variant is present in population databases (rs759033144, gnomAD 0.003%). This sequence change creates a premature translational stop signal (p.Arg384Serfs*54) in the CYP2U1 gene. It is expected to result in an absent or disrupted protein product. Loss-of-function variants in CYP2U1 are known to be pathogenic (PMID: 23176821, 26936192, 27292318).

Literature cited by the submitters: PubMed 23176821 (cited by Labcorp Genetics (formerly Invitae), Labcorp); PubMed 26936192 (cited by Labcorp Genetics (formerly Invitae), Labcorp); PubMed 27292318 (cited by Labcorp Genetics (formerly Invitae), Labcorp).